The following is an entry in ClinVar:

NM_025009.5(CEP135):c.2987A>G (p.Asn996Ser)

Gene: CEP135 (centrosomal protein 135; plus strand). Cytogenetic location: 4q12.
Variant type: single nucleotide variant.
Coding change: c.2987A>G on transcript NM_025009.5 (MANE Select); coding-DNA position 2987, A replaced by G.
Protein change: p.Asn996Ser; replaces asparagine 996 with serine.
Molecular consequence: missense variant.
Genome position (GRCh38, 1-based): chr4:56,017,832, A>G. VCF-style: chr4-56017832-A-G. GRCh37 (hg19) VCF-style: chr4-56883998-A-G.
Other names: short protein forms N996S.
Identifiers: ClinVar variation 1466728 (VCV001466728.8), dbSNP rs1179506789, ClinGen allele CA356972815.

ClinVar aggregate classification (germline): Uncertain significance (1 of 4 stars; one submission).

Allele frequency attached by ClinVar (database versions not stated): gnomAD exomes below 0.00001; gnomAD 0.00001; TOPMed 0.00001.
gnomAD v4.1: 3 of 1,612,814 alleles (0.00019%); highest among the groups gnomAD compares: African/African-American, 0.0027%; no homozygotes.

Submission:

Labcorp Genetics (formerly Invitae), Labcorp
Classification: Uncertain significance. Last evaluated: 2022-11-15. Review status: criteria provided, single submitter. Criteria: Invitae Variant Classification Sherloc (09022015). Collection method: clinical testing. Allele origin: germline.
Comment: This variant is not present in population databases (gnomAD no frequency). This variant has not been reported in the literature in individuals affected with CEP135-related conditions. This sequence change replaces asparagine, which is neutral and polar, with serine, which is neutral and polar, at codon 996 of the CEP135 protein (p.Asn996Ser). In summary, the available evidence is currently insufficient to determine the role of this variant in disease. Therefore, it has been classified as a Variant of Uncertain Significance. Algorithms developed to predict the effect of missense changes on protein structure and function (SIFT, PolyPhen-2, Align-GVGD) all suggest that this variant is likely to be tolerated. ClinVar contains an entry for this variant (Variation ID: 1466728).